The following is an entry in ClinVar:

NM_004370.6(COL12A1):c.9074C>A (p.Pro3025His)

Gene: COL12A1 (collagen type XII alpha 1 chain; minus strand). Cytogenetic location: 6q13.
Variant type: single nucleotide variant.
Coding change: c.9074C>A on transcript NM_004370.6 (MANE Select); coding-DNA position 9074, C replaced by A.
Protein change: p.Pro3025His; replaces proline 3025 with histidine.
Molecular consequence: missense variant.
Genome position (GRCh38, 1-based): chr6:75,087,684, G>T on the plus strand (C>A on the coding strand, the complement: COL12A1 is on the minus strand). VCF-style: chr6-75087684-G-T. GRCh37 (hg19) VCF-style: chr6-75797400-G-T.
Other names: c.5582C>A, p.Pro1861His (NM_080645.3); short protein forms P3025H, P1861H.
Identifiers: ClinVar variation 2148969 (VCV002148969.4), dbSNP rs1269857085, ClinGen allele CA364732982.

ClinVar aggregate classification (germline): Uncertain significance (1 of 4 stars; one submission).

Conditions:
Ullrich congenital muscular dystrophy 2 (UCMD2). Identifiers: Orphanet 75840, MedGen C4225314, MONDO:0014654, OMIM 616470.
Bethlem myopathy 2 (BTHLM2). Identifiers: Orphanet 536516, Orphanet 610, MedGen C4225313, MONDO:0034022, OMIM 616471.

gnomAD v4.1: 2 of 1,610,154 alleles (0.00012%); highest among the groups gnomAD compares: Non-Finnish European, 0.00017%; no homozygotes.

Submission:

Labcorp Genetics (formerly Invitae), Labcorp
Classification: Uncertain significance for Bethlem myopathy 2; Ullrich congenital muscular dystrophy 2. Last evaluated: 2022-07-12. Review status: criteria provided, single submitter. Criteria: Invitae Variant Classification Sherloc (09022015). Collection method: clinical testing. Allele origin: germline.
Comment: This variant has not been reported in the literature in individuals affected with COL12A1-related conditions. In summary, the available evidence is currently insufficient to determine the role of this variant in disease. Therefore, it has been classified as a Variant of Uncertain Significance. Algorithms developed to predict the effect of missense changes on protein structure and function are either unavailable or do not agree on the potential impact of this missense change (SIFT: "Deleterious"; PolyPhen-2: "Probably Damaging"; Align-GVGD: "Class C0"). This variant is not present in population databases (gnomAD no frequency). This sequence change replaces proline, which is neutral and non-polar, with histidine, which is basic and polar, at codon 3025 of the COL12A1 protein (p.Pro3025His).